The following is an entry in ClinVar:

NM_005121.3(MED13):c.1604C>A (p.Pro535Gln)

Gene: MED13 (mediator complex subunit 13; minus strand). Cytogenetic location: 17q23.2.
Variant type: single nucleotide variant.
Coding change: c.1604C>A on transcript NM_005121.3 (MANE Select); coding-DNA position 1604, C replaced by A.
Protein change: p.Pro535Gln; replaces proline 535 with glutamine.
Molecular consequence: missense variant.
Genome position (GRCh38, 1-based): chr17:62,010,913, G>T on the plus strand (C>A on the coding strand, the complement: MED13 is on the minus strand). VCF-style: chr17-62010913-G-T. GRCh37 (hg19) VCF-style: chr17-60088274-G-T.
Other names: short protein forms P535Q.
Identifiers: ClinVar variation 4076764 (VCV004076764.1).
Genomic context (GRCh38, chr17:62,010,913, plus strand): 5'-GGAGTTGAAGGTGTTTTAGTCACTCCTTCATCAACCACATCACAAGGGTGAGGACTAAGT[G>T]GGGGTGGTTGAGGTGAATTTGCCATTTCGGTGCCATGCATCTGAGGAGTCTTTGCTACAT-3'
Protein context (NP_005112.2, residues 525-545): TEMANSPQPP[Pro535Gln]LSPHPCDVVD

ClinVar aggregate classification (germline): Uncertain significance (1 of 4 stars; one submission).

gnomAD v4.1: 1 of 1,612,992 alleles (0.000062%); highest among the groups gnomAD compares: East Asian, 0.0022%; no homozygotes.

Submission:

GeneDx
Classification: Uncertain significance. Last evaluated: 2025-02-20. Review status: criteria provided, single submitter. Criteria: GeneDx Variant Classification Process June 2021. Collection method: clinical testing. Allele origin: germline. Affected: yes.
Comment: Not observed at significant frequency in large population cohorts (gnomAD); In silico analysis supports that this missense variant has a deleterious effect on protein structure/function; Has not been previously published as pathogenic or benign to our knowledge